The following is an entry in ClinVar:

ClinVar aggregate classification (germline): Likely benign. Review status: criteria provided, single submitter (1 of 4 stars). 2 submissions from 2 submitters: Likely benign (1). 1 of the submissions does not count toward it. Last evaluated 2023-10-13.

Conditions:
Charcot-Marie-Tooth disease type 4. Also called: Charcot-Marie-Tooth disease, type IV; Charcot-Marie-Tooth, Type 4. Identifiers: Orphanet 64749, MedGen C4082197, MONDO:0018995.
FIG4-related disorder. Also called: FIG4-related condition; FIG4-related disorders.

Allele frequency attached by ClinVar (database versions not stated): gnomAD exomes below 0.00001 and 0.00001; gnomAD 0.00001; TOPMed 0.00001.
gnomAD v4.1: 6 of 1,604,976 alleles (0.00037%); highest among the groups gnomAD compares: Admixed American, 0.0017%; no homozygotes.

Submissions (2):

Labcorp Genetics (formerly Invitae), Labcorp
Classification: Likely benign for Charcot-Marie-Tooth disease type 4. Last evaluated: 2023-10-13. Review status: criteria provided, single submitter. Criteria: Invitae Variant Classification Sherloc (09022015). Collection method: clinical testing. Allele origin: germline.

PreventionGenetics, part of Exact Sciences
Classification: Likely benign for FIG4-related condition. Last evaluated: 2023-03-01. Review status: no assertion criteria provided. Collection method: clinical testing. Allele origin: germline. Not counted in ClinVar's aggregate classification.
Comment: This variant is classified as likely benign based on ACMG/AMP sequence variant interpretation guidelines (Richards et al. 2015 PMID: 25741868, with internal and published modifications).

NM_014845.6(FIG4):c.2403A>G (p.Leu801=)

Gene: FIG4 (FIG4 phosphoinositide 5-phosphatase; plus strand). Cytogenetic location: 6q21.
Variant type: single nucleotide variant.
Coding change: c.2403A>G on transcript NM_014845.6 (MANE Select); coding-DNA position 2403, A replaced by G.
Protein change: p.Leu801=; no amino-acid change (leucine 801 retained).
Molecular consequence: synonymous variant.
Genome position (GRCh38, 1-based): chr6:109,792,608, A>G. VCF-style: chr6-109792608-A-G. GRCh37 (hg19) VCF-style: chr6-110113811-A-G.
Identifiers: ClinVar variation 853375 (VCV000853375.9), dbSNP rs1048137431, ClinGen allele CA145140416.